The following is an entry in ClinVar:

NM_025114.4(CEP290):c.256_259del (p.Asn85_Gln86insTer)

Gene: CEP290 (centrosomal protein 290; minus strand). Cytogenetic location: 12q21.32.
Variant type: Deletion.
Coding change: c.256_259del on transcript NM_025114.4 (MANE Select); coding-DNA positions 256 to 259, 4 bases deleted (CAAT; older notation c.256_259delCAAT).
Protein change: p.Asn85_Gln86insTer.
Molecular consequence: nonsense.
Genome position (GRCh38, 1-based): chr12:88,139,183-88,139,186, ATTG deleted on the plus strand (CAAT on the coding strand, the reverse complement: CEP290 is on the minus strand); deleting any 4 consecutive bases within chr12:88,139,183-88,139,189 gives the same sequence; the c. name uses the placement nearest the transcript's 3' end. VCF-style (leftmost placement, unchanged base first): chr12-88139182-AATTG-A. GRCh37 (hg19) VCF-style: chr12-88532959-AATTG-A.
Identifiers: ClinVar variation 1400250 (VCV001400250.6), dbSNP rs2138258864, ClinGen allele CA2573149043.

ClinVar aggregate classification (germline): Pathogenic (1 of 4 stars; one submission).

Conditions:
Joubert syndrome. Also called: CEREBELLOPARENCHYMAL DISORDER IV; JOUBERT-BOLTSHAUSER SYNDROME; Familial aplasia of the vermis. Identifiers: Orphanet 475, MedGen C5979921, MONDO:0018772.
Nephronophthisis. Also called: Juvenile Nephronophthisis. Identifiers: Orphanet 655, MedGen C0687120, MONDO:0019005, HP:0000090.
Meckel-Gruber syndrome. Also called: DYSENCEPHALIA SPLANCHNOCYSTICA; GRUBER SYNDROME; Dysencephalia splachnocystica. Identifiers: Orphanet 564, MedGen C0265215, MONDO:0018921.

Submission:

Labcorp Genetics (formerly Invitae), Labcorp
Classification: Pathogenic for Joubert syndrome; Meckel-Gruber syndrome; Nephronophthisis. Last evaluated: 2021-05-05. Review status: criteria provided, single submitter. Criteria: Invitae Variant Classification Sherloc (09022015). Collection method: clinical testing. Allele origin: germline.
Comment: This sequence change creates a premature translational stop signal (p.Gln86*) in the CEP290 gene. It is expected to result in an absent or disrupted protein product. Loss-of-function variants in CEP290 are known to be pathogenic (PMID: 16909394, 17345604, 20690115). This variant is not present in population databases (ExAC no frequency). This variant has not been reported in the literature in individuals with CEP290-related conditions. For these reasons, this variant has been classified as Pathogenic.

Literature cited by the submitters: PubMed 16909394; PubMed 17345604; PubMed 20690115.